The following is an entry in ClinVar:

ClinVar aggregate classification (germline): Likely benign. Review status: criteria provided, single submitter (1 of 4 stars). 2 submissions from 2 submitters: Likely benign (1). 1 of the submissions does not count toward it. Last evaluated 2025-05-12.

Conditions:
BBS4-related disorder. Also called: BBS4-related condition.
Bardet-Biedl syndrome (BBS). Identifiers: Orphanet 110, MedGen C0752166, MONDO:0015229.

Allele frequency attached by ClinVar (database versions not stated): ExAC 0.00001; gnomAD exomes 0.00001 and 0.00002; gnomAD 0.00005; TOPMed 0.00010; 1000 Genomes Project 30x 0.00016; 1000 Genomes Project 0.00020.
gnomAD v4.1: 14 of 1,614,076 alleles (0.00087%); highest among the groups gnomAD compares: Admixed American, 0.018%; no homozygotes.

Submissions (2):

Labcorp Genetics (formerly Invitae), Labcorp
Classification: Likely benign for Bardet-Biedl syndrome. Last evaluated: 2025-05-12. Review status: criteria provided, single submitter. Criteria: Invitae Variant Classification Sherloc (09022015). Collection method: clinical testing. Allele origin: germline.

PreventionGenetics, part of Exact Sciences
Classification: Likely benign for BBS4-related condition. Last evaluated: 2019-09-14. Review status: no assertion criteria provided. Collection method: clinical testing. Allele origin: germline. Not counted in ClinVar's aggregate classification.
Comment: This variant is classified as likely benign based on ACMG/AMP sequence variant interpretation guidelines (Richards et al. 2015 PMID: 25741868, with internal and published modifications).

NM_033028.5(BBS4):c.663A>G (p.Ala221=)

Gene: BBS4 (Bardet-Biedl syndrome 4; plus strand). Cytogenetic location: 15q24.1.
Variant type: single nucleotide variant.
Coding change: c.663A>G on transcript NM_033028.5 (MANE Select); coding-DNA position 663, A replaced by G.
Protein change: p.Ala221=; no amino-acid change (alanine 221 retained).
Molecular consequence: synonymous variant. On other transcripts: non-coding transcript variant (2), intron variant (1).
Genome position (GRCh38, 1-based): chr15:72,729,636, A>G. VCF-style: chr15-72729636-A-G. GRCh37 (hg19) VCF-style: chr15-73021977-A-G.
Other names: c.663A>G (NM_033028.4); c.147A>G, p.Ala49= (NM_001252678.2); c.642+1642A>G (NM_001320665.2).
Identifiers: ClinVar variation 1110494 (VCV001110494.11), dbSNP rs574868161, ClinGen allele CA7646722.